The following is an entry in ClinVar:

ClinVar aggregate classification (germline): Uncertain significance. Review status: criteria provided, multiple submitters, no conflicts (2 of 4 stars). 2 submissions from 2 submitters: Uncertain significance (2). Last evaluated 2024-01-18.

Conditions:
Joubert syndrome 8 (JBTS8). Identifiers: Orphanet 475, MedGen C2676771, MONDO:0012855, OMIM 612291.

Allele frequency attached by ClinVar (database versions not stated): gnomAD exomes below 0.00001; TOPMed 0.00001.
gnomAD v4.1: 6 of 1,568,770 alleles (0.00038%); highest among the groups gnomAD compares: Non-Finnish European, 0.00052%; no homozygotes.

Submissions (2):

Fulgent Genetics
Classification: Uncertain significance for Joubert syndrome 8. Last evaluated: 2024-01-18. Review status: criteria provided, single submitter. Criteria: ACMG Guidelines, 2015. Collection method: clinical testing. Allele origin: germline.

Labcorp Genetics (formerly Invitae), Labcorp
Classification: Uncertain significance for Joubert syndrome 8. Last evaluated: 2021-03-27. Review status: criteria provided, single submitter. Criteria: Invitae Variant Classification Sherloc (09022015). Collection method: clinical testing. Allele origin: germline.
Comment: In summary, the available evidence is currently insufficient to determine the role of this variant in disease. Therefore, it has been classified as a Variant of Uncertain Significance. This sequence change replaces isoleucine with threonine at codon 162 of the ARL13B protein (p.Ile162Thr). The isoleucine residue is highly conserved and there is a moderate physicochemical difference between isoleucine and threonine. This variant is not present in population databases (ExAC no frequency). This variant has not been reported in the literature in individuals with ARL13B-related conditions. Algorithms developed to predict the effect of missense changes on protein structure and function (SIFT, PolyPhen-2, Align-GVGD) all suggest that this variant is likely to be disruptive, but these predictions have not been confirmed by published functional studies and their clinical significance is uncertain.

NM_001174150.2(ARL13B):c.485T>C (p.Ile162Thr)

Gene: ARL13B (ARF like GTPase 13B; plus strand). Cytogenetic location: 3q11.2.
Variant type: single nucleotide variant.
Coding change: c.485T>C on transcript NM_001174150.2 (MANE Select); coding-DNA position 485, T replaced by C.
Protein change: p.Ile162Thr; replaces isoleucine 162 with threonine.
Molecular consequence: missense variant. On other transcripts: non-coding transcript variant (2).
Genome position (GRCh38, 1-based): chr3:94,035,435, T>C. VCF-style: chr3-94035435-T-C. GRCh37 (hg19) VCF-style: chr3-93754279-T-C.
Other names: c.176T>C, p.Ile59Thr (NM_001174151.2); c.440T>C, p.Ile147Thr (NM_001321328.2); c.164T>C, p.Ile55Thr (NM_144996.4); c.485T>C, p.Ile162Thr (NM_182896.3); short protein forms I162T, I147T, I55T, I59T.
Identifiers: ClinVar variation 1409774 (VCV001409774.9), dbSNP rs1576026230, ClinGen allele CA353678084.